The following is an entry in ClinVar:

ClinVar aggregate classification (germline): Pathogenic (1 of 4 stars; one submission).

Conditions:
KBG syndrome (KBGS). Also called: ANKRD11-Related KBG Syndrome. Identifiers: Orphanet 2332, MedGen C0220687, MONDO:0007846, OMIM 148050.

Submission:

Labcorp Genetics (formerly Invitae), Labcorp
Classification: Pathogenic for KBG syndrome. Last evaluated: 2020-02-12. Review status: criteria provided, single submitter. Criteria: Invitae Variant Classification Sherloc (09022015). Collection method: clinical testing. Allele origin: germline.
Comment: This variant is not present in population databases (ExAC no frequency). For these reasons, this variant has been classified as Pathogenic. Loss-of-function variants in ANKRD11 are known to be pathogenic (PMID: 21782149, 25125236, 25413698, 25652421). This variant has not been reported in the literature in individuals with ANKRD11-related conditions. This sequence change creates a premature translational stop signal (p.Thr1707Tyrfs*25) in the ANKRD11 gene. It is expected to result in an absent or disrupted protein product.

Literature cited by the submitters: PubMed 21782149; PubMed 25125236; PubMed 25413698; PubMed 25652421.

NM_013275.6(ANKRD11):c.5117dup (p.Thr1707fs)

Gene: ANKRD11 (ankyrin repeat domain 11; minus strand). Cytogenetic location: 16q24.3.
Variant type: Duplication.
Coding change: c.5117dup on transcript NM_013275.6 (MANE Select); coding-DNA position 5117, one base duplicated (C; older notation c.5117dupC).
Protein change: p.Thr1707fs; shifts the reading frame from threonine 1707.
Molecular consequence: frameshift variant.
Genome position (GRCh38, 1-based): chr16:89,281,425, G duplicated on the plus strand (C on the coding strand, the reverse complement: ANKRD11 is on the minus strand); the first of 4 consecutive G bases (chr16:89,281,425-89,281,428); duplicating any one gives the same sequence. VCF-style (leftmost placement, unchanged base first): chr16-89281424-A-AG. GRCh37 (hg19) VCF-style: chr16-89347832-A-AG.
Other names: c.5117dup, p.Thr1707fs (NM_001256182.2, NM_001256183.2); short protein forms T1707fs.
Identifiers: ClinVar variation 1068793 (VCV001068793.7), dbSNP rs2151746362, ClinGen allele CA2499223781.
Genomic context (GRCh38, chr16:89,281,424, plus strand): 5'-GGACGGGGTCCTGGGCGTGTGCATCACCTCCTCGTAGCTGGGGCAGGATAGCACCGACGT[A>AG]GGGGTGGGCACGCCAGTGGGCCGGCTCTGGTCAGGCCTGGGGGACGCAGGCAGGACCTCT-3'